The following is an entry in ClinVar:

NM_002618.4(PEX13):c.160C>G (p.Pro54Ala)

Gene: PEX13 (peroxisomal biogenesis factor 13; plus strand). Cytogenetic location: 2p15.
Variant type: single nucleotide variant.
Coding change: c.160C>G on transcript NM_002618.4 (MANE Select); coding-DNA position 160, C replaced by G.
Protein change: p.Pro54Ala; replaces proline 54 with alanine.
Molecular consequence: missense variant.
Genome position (GRCh38, 1-based): chr2:61,031,486, C>G. VCF-style: chr2-61031486-C-G. GRCh37 (hg19) VCF-style: chr2-61258621-C-G.
Other names: short protein forms P54A.
Identifiers: ClinVar variation 3357396 (VCV003357396.1).

ClinVar aggregate classification (germline): Uncertain significance (0 of 4 stars; one submission).

Conditions:
PEX13-related disorder. Also called: PEX13-related condition; PEX13-related disorders.

gnomAD v4.1: 8 of 1,614,098 alleles (0.0005%); highest among the groups gnomAD compares: South Asian, 0.0066%; no homozygotes.

Submission:

PreventionGenetics, part of Exact Sciences
Classification: Uncertain significance for PEX13-related condition. Last evaluated: 2024-08-03. Review status: no assertion criteria provided. Collection method: clinical testing. Allele origin: germline.
Comment: The PEX13 c.160C>G variant is predicted to result in the amino acid substitution p.Pro54Ala. To our knowledge, this variant has not been reported in the literature. This variant is reported in 0.0065% of alleles in individuals of South Asian descent in gnomAD. At this time, the clinical significance of this variant is uncertain due to the absence of conclusive functional and genetic evidence.